The following is an entry in ClinVar:

NM_030780.5(SLC25A32):c.715G>A (p.Val239Ile)

Gene: SLC25A32 (solute carrier family 25 member 32; minus strand). Cytogenetic location: 8q22.3.
Variant type: single nucleotide variant.
Coding change: c.715G>A on transcript NM_030780.5 (MANE Select); coding-DNA position 715, G replaced by A.
Protein change: p.Val239Ile; replaces valine 239 with isoleucine.
Molecular consequence: missense variant. On other transcripts: non-coding transcript variant (2).
Genome position (GRCh38, 1-based): chr8:103,401,613, C>T on the plus strand (G>A on the coding strand, the complement: SLC25A32 is on the minus strand). VCF-style: chr8-103401613-C-T. GRCh37 (hg19) VCF-style: chr8-104413841-C-T.
Other names: short protein forms V239I.
Identifiers: ClinVar variation 1938933 (VCV001938933.5), dbSNP rs777776802, ClinGen allele CA4835386.

ClinVar aggregate classification (germline): Uncertain significance (1 of 4 stars; one submission).

Allele frequency attached by ClinVar (database versions not stated): gnomAD exomes below 0.00001; gnomAD 0.00001; TOPMed 0.00001; ExAC 0.00002.
gnomAD v4.1: 3 of 1,613,358 alleles (0.00019%); highest among the groups gnomAD compares: African/African-American, 0.0027%; no homozygotes.

Submission:

Labcorp Genetics (formerly Invitae), Labcorp
Classification: Uncertain significance. Last evaluated: 2023-12-06. Review status: criteria provided, single submitter. Criteria: Invitae Variant Classification Sherloc (09022015). Collection method: clinical testing. Allele origin: germline.
Comment: This sequence change replaces valine, which is neutral and non-polar, with isoleucine, which is neutral and non-polar, at codon 239 of the SLC25A32 protein (p.Val239Ile). The frequency data for this variant in the population databases is considered unreliable, as metrics indicate poor data quality at this position in the gnomAD database. This variant has not been reported in the literature in individuals affected with SLC25A32-related conditions. ClinVar contains an entry for this variant (Variation ID: 1938933). Advanced modeling of protein sequence and biophysical properties (such as structural, functional, and spatial information, amino acid conservation, physicochemical variation, residue mobility, and thermodynamic stability) performed at Invitae indicates that this missense variant is not expected to disrupt SLC25A32 protein function with a negative predictive value of 80%. In summary, the available evidence is currently insufficient to determine the role of this variant in disease. Therefore, it has been classified as a Variant of Uncertain Significance.